The following is an entry in ClinVar:

ClinVar aggregate classification (germline): Likely benign. Review status: criteria provided, multiple submitters, no conflicts (2 of 4 stars). 3 submissions from 3 submitters: Likely benign (2). 1 of the submissions does not count toward it. Last evaluated 2026-01-28.

Conditions:
Nemaline myopathy 2 (NEM2). Also called: Nemaline myopathy 2, autosomal recessive. Identifiers: MedGen C1850569, MONDO:0009725, OMIM 256030.

Allele frequency attached by ClinVar (database versions not stated): TOPMed 0.00003; ESP Exome Variant Server 0.00008.
gnomAD v4.1: 54 of 1,612,886 alleles (0.0033%); highest among the groups gnomAD compares: Admixed American, 0.0067%; no homozygotes.

Submissions (3):

Labcorp Genetics (formerly Invitae), Labcorp
Classification: Likely benign for Nemaline myopathy 2. Last evaluated: 2026-01-28. Review status: criteria provided, single submitter. Criteria: Invitae Variant Classification Sherloc (09022015). Collection method: clinical testing. Allele origin: germline.

CeGaT Center for Human Genetics Tuebingen
Classification: Likely benign. Last evaluated: 2025-11-01. Review status: criteria provided, single submitter. Criteria: CeGaT Center For Human Genetics Tuebingen Variant Classification Criteria Version 2. Collection method: clinical testing. Allele origin: germline. Affected: yes. Observed: 1 variant allele.
Comment: NEB: BP4, BP7

Natera, Inc.
Classification: Uncertain significance for Nemaline myopathy type 2. Last evaluated: 2020-03-17. Review status: no assertion criteria provided. Collection method: clinical testing. Allele origin: germline. Not counted in ClinVar's aggregate classification.

NM_001164508.2(NEB):c.585C>T (p.Ala195=)

Gene: NEB (nebulin; minus strand). Cytogenetic location: 2q23.3.
Variant type: single nucleotide variant.
Coding change: c.585C>T on transcript NM_001164508.2 (MANE Select); coding-DNA position 585, C replaced by T.
Protein change: p.Ala195=; no amino-acid change (alanine 195 retained).
Molecular consequence: synonymous variant.
Genome position (GRCh38, 1-based): chr2:151,724,287, G>A on the plus strand (C>T on the coding strand, the complement: NEB is on the minus strand). VCF-style: chr2-151724287-G-A. GRCh37 (hg19) VCF-style: chr2-152580801-G-A.
Other names: c.585C>T, p.Ala195= (NM_001164507.2, NM_001271208.2, NM_004543.5).
Identifiers: ClinVar variation 702599 (VCV000702599.18), dbSNP rs374538366, ClinGen allele CA1911861.